The following is an entry in ClinVar:

NM_016124.6(RHD):c.579G>A (p.Glu193=)

Genes: RHD (Rh blood group D antigen; plus strand), RSRP1 (arginine and serine rich protein 1; minus strand). Cytogenetic location: 1p36.11.
Variant type: single nucleotide variant.
Coding change: c.579G>A on transcript NM_016124.6 (MANE Select); coding-DNA position 579, G replaced by A.
Protein change: p.Glu193=; no amino-acid change (glutamic acid 193 retained).
Molecular consequence: synonymous variant. On other transcripts: intron variant (1).
Genome position (GRCh38, 1-based): chr1:25,301,038, G>A. VCF-style: chr1-25301038-G-A. GRCh37 (hg19) VCF-style: chr1-25627529-G-A.
Other names: c.579G>A, p.Glu193= (NM_001282870.1, NM_001282871.2, NM_001282872.1 and 3 more transcripts); c.-67+36002C>T (NM_001321772.2); c.81G>A, p.Glu27= (NM_001282867.1).
Identifiers: ClinVar variation 2672331 (VCV002672331.21), dbSNP rs77813628, ClinGen allele CA694059.

ClinVar aggregate classification (germline): Benign (1 of 4 stars; one submission).

Allele frequency attached by ClinVar (database versions not stated): ESP Exome Variant Server 0.00538; 1000 Genomes Project 0.00439; 1000 Genomes Project 30x 0.00422.
gnomAD v4.1: 1,131 of 1,377,588 alleles (0.082%); highest among the groups gnomAD compares: African/African-American, 1.4%; 192 homozygotes.

Submission:

CeGaT Center for Human Genetics Tuebingen
Classification: Benign. Last evaluated: 2023-11-01. Review status: criteria provided, single submitter. Criteria: CeGaT Center For Human Genetics Tuebingen Variant Classification Criteria Version 2. Collection method: clinical testing. Allele origin: germline. Affected: yes. Observed: 1 variant allele.
Comment: RHD: BP4, BP7, BS1, BS2